The following is an entry in ClinVar:

NM_001042492.3(NF1):c.7234del (p.Ile2412fs)

Gene: NF1 (neurofibromin 1; plus strand). Cytogenetic location: 17q11.2.
Variant type: Deletion.
Coding change: c.7234del on transcript NM_001042492.3 (MANE Select); coding-DNA position 7234, one base deleted (A; older notation c.7234delA).
Protein change: p.Ile2412fs; shifts the reading frame from isoleucine 2412.
Molecular consequence: frameshift variant.
Genome position (GRCh38, 1-based): chr17:31,349,164, A deleted; the last of 2 consecutive A bases (chr17:31,349,163-31,349,164); deleting either gives the same sequence. VCF-style (leftmost placement, unchanged base first): chr17-31349162-GA-G. GRCh37 (hg19) VCF-style: chr17-29676180-GA-G.
Other names: c.7171delA, p.Ile2391Phefs (NM_000267.4); short protein forms I2412fs, I2391fs.
Identifiers: ClinVar variation 229876 (VCV000229876.3), dbSNP rs876658245, ClinGen allele CA10580400.

ClinVar aggregate classification (germline): Pathogenic (1 of 4 stars; one submission).

Conditions:
Hereditary cancer-predisposing syndrome. Also called: Hereditary neoplastic syndrome; Hereditary Cancer Syndrome; Neoplastic Syndromes, Hereditary; Tumor predisposition. Identifiers: Orphanet 140162, MedGen C0027672, MeSH D009386, MONDO:0015356.

Submission:

Ambry Genetics
Classification: Pathogenic for Hereditary cancer-predisposing syndrome. Last evaluated: 2015-01-05. Review status: criteria provided, single submitter. Criteria: Ambry Autosomal Dominant and X-Linked criteria (10/2015). Collection method: clinical testing. Allele origin: germline. Observed: 1 variant allele.
Comment: The c.7234DELA pathogenic mutation, located in coding exon 49 of the NF1 gene, results from a deletion of one nucleotide at position 7234, causing a translational frameshift with a predicted alternate stop codon. Since frameshifts are typically deleterious in nature, this alteration is interpreted as a disease-causing mutation (ACMG Recommendations for Standards for Interpretation and Reporting of Sequence Variations. Revision 2007. Genet Med. 2008;10:294).